The following is an entry in ClinVar:

NM_015359.6(SLC39A14):c.574G>A (p.Ala192Thr)

Gene: SLC39A14 (solute carrier family 39 member 14; plus strand). Cytogenetic location: 8p21.3.
Variant type: single nucleotide variant.
Coding change: c.574G>A on transcript NM_015359.6 (MANE Plus Clinical); coding-DNA position 574, G replaced by A.
Protein change: p.Ala192Thr; replaces alanine 192 with threonine.
Molecular consequence: missense variant. On other transcripts: intron variant (9).
Genome position (GRCh38, 1-based): chr8:22,410,062, G>A. VCF-style: chr8-22410062-G-A. GRCh37 (hg19) VCF-style: chr8-22267575-G-A.
Other names: c.457+1566G>A (NM_001135154.3, NM_001351656.2, NM_001351655.2 and 3 more transcripts); c.487+1566G>A (NM_001351657.2, NM_001351658.2, NM_001351659.2); short protein forms A192T.
Identifiers: ClinVar variation 1569846 (VCV001569846.8), dbSNP rs761185500, ClinGen allele CA4667357.
Genomic context (GRCh38, chr8:22,410,062, plus strand): 5'-GTCCTCGTCCTGCCCTGCACAGAGAAAGCGTTTTTCAGCCGTGTGCTCACTTACTTCATC[G>A]CCCTGTCCATTGGAACGCTGCTGTCTAACGCGCTATTCCAGCTCATCCCAGAGGTGCAGT-3'
Protein context (NP_056174.2, residues 182-202): FFSRVLTYFI[Ala192Thr]LSIGTLLSNA

ClinVar aggregate classification (germline): Uncertain significance (1 of 4 stars; one submission).

Allele frequency attached by ClinVar (database versions not stated): gnomAD exomes below 0.00001; ExAC 0.00001.
gnomAD v4.1: 8 of 1,613,902 alleles (0.0005%); highest among the groups gnomAD compares: South Asian, 0.0011%; no homozygotes.

Submission:

Labcorp Genetics (formerly Invitae), Labcorp
Classification: Uncertain significance. Last evaluated: 2023-05-23. Review status: criteria provided, single submitter. Criteria: Invitae Variant Classification Sherloc (09022015). Collection method: clinical testing. Allele origin: germline.
Comment: Algorithms developed to predict the effect of sequence changes on RNA splicing suggest that this variant is not likely to affect RNA splicing. Experimental studies and prediction algorithms are not available or were not evaluated, and the functional significance of this variant is currently unknown. ClinVar contains an entry for this variant (Variation ID: 1569846). This variant has not been reported in the literature in individuals affected with SLC39A14-related conditions. This variant is present in population databases (rs761185500, gnomAD 0.003%). This sequence change replaces alanine, which is neutral and non-polar, with threonine, which is neutral and polar, at codon 192 of the SLC39A14 protein (p.Ala192Thr). The SLC39A14 gene has multiple clinically relevant transcripts. This variant occurs in alternate transcript NM_015359.5, and corresponds to NM_001128431.2:c.457+1566G>A in the primary transcript. In summary, the available evidence is currently insufficient to determine the role of this variant in disease. Therefore, it has been classified as a Variant of Uncertain Significance.